The following is an entry in ClinVar:

NM_000278.5(PAX2):c.1021+238A>G

Gene: PAX2 (paired box 2; plus strand). Cytogenetic location: 10q24.31.
Variant type: single nucleotide variant.
Coding change: c.1021+238A>G on transcript NM_000278.5 (MANE Select); 238 bases into the intron after coding-DNA position 1021, A replaced by G.
Molecular consequence: intron variant.
Genome position (GRCh38, 1-based): chr10:100,824,987, A>G. VCF-style: chr10-100824987-A-G. GRCh37 (hg19) VCF-style: chr10-102584744-A-G.
Other names: c.1114+238A>G (NM_001304569.2); c.1090+238A>G (NM_003987.5, NM_003990.5); c.1104+3A>G (NM_003988.5); c.1021+238A>G (NM_003989.5).
Identifiers: ClinVar variation 1369751 (VCV001369751.6), dbSNP rs2133985249, ClinGen allele CA2573145453.
Genomic context (GRCh38, chr10:100,824,987, plus strand): 5'-CCTCATGAGCAAGCCGGGGAGGAAGCTTGCAGAAGTGCCCCCTTGTGTGCAACCCACTGT[A>G]TGTCATGGCCCCTCCACAGCGCCCACCCACCCAAGTCTGTGCCCGAGGAGCACTCAGCCT-3'

ClinVar aggregate classification (germline): Uncertain significance (1 of 4 stars; one submission).

Conditions:
Focal segmental glomerulosclerosis 7 (FSGS7). Identifiers: Orphanet 656, MedGen C4014925, MONDO:0014451, OMIM 616002.
Renal coloboma syndrome (PAPRS). Also called: PAPILLORENAL SYNDROME WITH MILD OCULAR ABNORMALITIES; CONGENITAL ANOMALIES OF THE KIDNEY AND URINARY TRACT WITH OR WITHOUT OCULAR ABNORMALITIES; CAKUT WITH OR WITHOUT OCULAR ABNORMALITIES; PAPILLORENAL SYNDROME; COLOBOMA OF OPTIC NERVE WITH RENAL DISEASE; OPTIC COLOBOMA, VESICOURETERAL REFLUX, AND RENAL ANOMALIES. Identifiers: Orphanet 1475, MedGen C1852759, MONDO:0007352, OMIM 120330.

Submission:

Labcorp Genetics (formerly Invitae), Labcorp
Classification: Uncertain significance for Renal coloboma syndrome; Focal segmental glomerulosclerosis 7. Last evaluated: 2022-07-19. Review status: criteria provided, single submitter. Criteria: Invitae Variant Classification Sherloc (09022015). Collection method: clinical testing. Allele origin: germline.
Comment: Variants that disrupt the consensus splice site are a relatively common cause of aberrant splicing (PMID: 17576681, 9536098). Algorithms developed to predict the effect of sequence changes on RNA splicing suggest that this variant may disrupt the consensus splice site. ClinVar contains an entry for this variant (Variation ID: 1369751). This variant has not been reported in the literature in individuals affected with PAX2-related conditions. This variant is not present in population databases (gnomAD no frequency). This sequence change falls in intron 9 of the PAX2 gene. It does not directly change the encoded amino acid sequence of the PAX2 protein. It affects a nucleotide within the consensus splice site. In summary, the available evidence is currently insufficient to determine the role of this variant in disease. Therefore, it has been classified as a Variant of Uncertain Significance.

Literature cited by the submitters: PubMed 17576681; PubMed 9536098.